The following is an entry in ClinVar:

NM_006267.5(RANBP2):c.7748C>T (p.Ser2583Phe)

Gene: RANBP2 (RAN binding protein 2; plus strand). Cytogenetic location: 2q13.
Variant type: single nucleotide variant.
Coding change: c.7748C>T on transcript NM_006267.5 (MANE Select); coding-DNA position 7748, C replaced by T.
Protein change: p.Ser2583Phe; replaces serine 2583 with phenylalanine.
Molecular consequence: missense variant.
Genome position (GRCh38, 1-based): chr2:108,768,287, C>T. VCF-style: chr2-108768287-C-T. GRCh37 (hg19) VCF-style: chr2-109384743-C-T.
Other names: short protein forms S2583F.
Identifiers: ClinVar variation 1027101 (VCV001027101.9), dbSNP rs771059374, ClinGen allele CA348080084.

ClinVar aggregate classification (germline): Uncertain significance (1 of 4 stars; one submission).

Conditions:
Familial acute necrotizing encephalopathy (IIAE3). Also called: ENCEPHALOPATHY, ACUTE, INFECTION-INDUCED, SUSCEPTIBILITY TO, 3; Susceptibility to Acute Necrotizing Encephalopathy 1. Identifiers: Orphanet 88619, MedGen C2675556, MONDO:0011953, OMIM 608033.

Submission:

Labcorp Genetics (formerly Invitae), Labcorp
Classification: Uncertain significance for Familial acute necrotizing encephalopathy. Last evaluated: 2022-08-16. Review status: criteria provided, single submitter. Criteria: Invitae Variant Classification Sherloc (09022015). Collection method: clinical testing. Allele origin: germline.
Comment: In summary, the available evidence is currently insufficient to determine the role of this variant in disease. Therefore, it has been classified as a Variant of Uncertain Significance. Algorithms developed to predict the effect of missense changes on protein structure and function (SIFT, PolyPhen-2, Align-GVGD) all suggest that this variant is likely to be tolerated. ClinVar contains an entry for this variant (Variation ID: 1027101). This variant has not been reported in the literature in individuals affected with RANBP2-related conditions. This variant is present in population databases (no rsID available, gnomAD 0.01%). This sequence change replaces serine, which is neutral and polar, with phenylalanine, which is neutral and non-polar, at codon 2583 of the RANBP2 protein (p.Ser2583Phe).